The following is an entry in ClinVar:

ClinVar aggregate classification (germline): Uncertain significance. Review status: criteria provided, multiple submitters, no conflicts (2 of 4 stars). 3 submissions from 3 submitters: Uncertain significance (3). Last evaluated 2026-10-06.

Conditions:
Inborn genetic diseases. Identifiers: MedGen C0950123, MeSH D030342.
MYO6-related disorder. Also called: MYO6-related disorders; MYO6-related condition.

Allele frequency attached by ClinVar (database versions not stated): ESP Exome Variant Server 0.00023; TOPMed 0.00005; gnomAD 0.00004.
gnomAD v4.1: 14 of 1,614,002 alleles (0.00087%); highest among the groups gnomAD compares: African/African-American, 0.019%; no homozygotes.

Submissions (3):

GeneDx
Classification: Uncertain significance. Last evaluated: 2026-10-06. Review status: criteria provided, single submitter. Criteria: GeneDx Variant Classification Process June 2021. Collection method: clinical testing. Allele origin: germline.
Comment: In silico analysis supports that this missense variant has a deleterious effect on protein structure/function; In silico analysis suggests this variant may impact gene splicing. In the absence of RNA/functional studies, the actual effect of this sequence change is unknown.; Has not been previously published as pathogenic or benign to our knowledge

Ambry Genetics
Classification: Uncertain significance for Inborn genetic diseases. Last evaluated: 2025-12-02. Review status: criteria provided, single submitter. Criteria: Ambry Variant Classification Scheme 2023. Collection method: clinical testing. Allele origin: germline.

PreventionGenetics, part of Exact Sciences
Classification: Uncertain significance for MYO6-related condition. Last evaluated: 2025-07-07. Review status: criteria provided, single submitter. Criteria: ACMG Guidelines, 2015. Collection method: clinical testing. Allele origin: germline.
Comment: The MYO6 c.1658A>T variant is predicted to result in the amino acid substitution p.Asp553Val. To our knowledge, this variant has not been reported in the literature. This variant is reported in 0.024% of alleles in individuals of African descent in gnomAD. At this time, the clinical significance of this variant is uncertain due to the absence of conclusive functional and genetic evidence.

NM_004999.4(MYO6):c.1658A>T (p.Asp553Val)

Gene: MYO6 (myosin VI; plus strand). Cytogenetic location: 6q14.1.
Variant type: single nucleotide variant.
Coding change: c.1658A>T on transcript NM_004999.4 (MANE Select); coding-DNA position 1658, A replaced by T.
Protein change: p.Asp553Val; replaces aspartic acid 553 with valine.
Molecular consequence: missense variant. On other transcripts: non-coding transcript variant (1).
Genome position (GRCh38, 1-based): chr6:75,862,707, A>T. VCF-style: chr6-75862707-A-T. GRCh37 (hg19) VCF-style: chr6-76572424-A-T.
Other names: c.1658A>T, p.Asp553Val (NM_001368137.1, NM_001368865.1, NM_001368866.1 and 2 more transcripts); c.1643A>T, p.Asp548Val (NM_001368138.1); short protein forms D548V, D553V.
Identifiers: ClinVar variation 1311319 (VCV001311319.5), dbSNP rs376562219, ClinGen allele CA3897168.
Genomic context (GRCh38, chr6:75,862,707, plus strand): 5'-ATCGCCTTCCCCAGCCAAGTGATCAACACTTTACATCTGCAGTTCACCAAAAGCACAAGG[A>T]TCATTTTCGACTCACTGTGAGTTTTGCCATTCTGAAATTGAGACTATGGTGGGACGAGAC-3'
Protein context (NP_004990.3, residues 543-563): FTSAVHQKHK[Asp553Val]HFRLTIPRKS